The following is an entry in ClinVar:

ClinVar aggregate classification (germline): Likely benign (1 of 4 stars; one submission).

Submission:

CeGaT Center for Human Genetics Tuebingen
Classification: Likely benign. Last evaluated: 2025-03-01. Review status: criteria provided, single submitter. Criteria: CeGaT Center For Human Genetics Tuebingen Variant Classification Criteria Version 2. Collection method: clinical testing. Allele origin: germline. Affected: yes. Observed: 1 variant allele.
Comment: ALMS1: BP4, BP7

NM_001378454.1(ALMS1):c.11580T>C (p.Ile3860=)

Gene: ALMS1 (ALMS1 centrosome and basal body associated protein; plus strand). Cytogenetic location: 2p13.1.
Variant type: single nucleotide variant.
Coding change: c.11580T>C on transcript NM_001378454.1 (MANE Select); coding-DNA position 11580, T replaced by C.
Protein change: p.Ile3860=; no amino-acid change (isoleucine 3860 retained).
Molecular consequence: synonymous variant.
Genome position (GRCh38, 1-based): chr2:73,599,433, T>C. VCF-style: chr2-73599433-T-C. GRCh37 (hg19) VCF-style: chr2-73826560-T-C.
Other names: c.11583T>C, p.Ile3861= (NM_015120.4).
Identifiers: ClinVar variation 3778410 (VCV003778410.7).